The following is an entry in ClinVar:

NM_001042545.2(LTBP4):c.3200C>G (p.Pro1067Arg)

Gene: LTBP4 (latent transforming growth factor beta binding protein 4; plus strand). Cytogenetic location: 19q13.2.
Variant type: single nucleotide variant.
Coding change: c.3200C>G on transcript NM_001042545.2 (MANE Select); coding-DNA position 3200, C replaced by G.
Protein change: p.Pro1067Arg; replaces proline 1067 with arginine.
Molecular consequence: missense variant.
Genome position (GRCh38, 1-based): chr19:40,619,476, C>G. VCF-style: chr19-40619476-C-G. GRCh37 (hg19) VCF-style: chr19-41125381-C-G.
Other names: c.3401C>G, p.Pro1134Arg (NM_001042544.1); c.3290C>G, p.Pro1097Arg (NM_003573.2); short protein forms P1067R, P1097R, P1134R.
Identifiers: ClinVar variation 3047813 (VCV003047813.3), dbSNP rs2515377377, ClinGen allele CA405940937.
Genomic context (GRCh38, chr19:40,619,476, plus strand): 5'-TCCTCTGTGTCTGCCCCAACAGCCCGGAAGAGTTTGACCCCATGACTGGACGCTGTGTTC[C>G]CCCACGAACTTCTGCTGGTGAGACTGATGTGTCTATTTAACTGATGGCGGCTGGCCCCAT-3'
Protein context (NP_001036010.1, residues 1057-1077): EFDPMTGRCV[Pro1067Arg]PRTSAGTFPG

ClinVar aggregate classification (germline): Conflicting classifications of pathogenicity. Review status: criteria provided, conflicting classifications (1 of 4 stars). 2 submissions from 2 submitters: Uncertain significance (1); Likely benign (1). Last evaluated 2026-03-23.

Conditions:
Inborn genetic diseases. Identifiers: MedGen C0950123, MeSH D030342.
LTBP4-related disorder. Also called: LTBP4-related condition.

Submissions (2):

Ambry Genetics
Classification: Uncertain significance for Inborn genetic diseases. Last evaluated: 2026-03-23. Review status: criteria provided, single submitter. Criteria: Ambry Variant Classification Scheme 2023. Collection method: clinical testing. Allele origin: germline.

PreventionGenetics, part of Exact Sciences
Classification: Likely benign for LTBP4-related condition. Last evaluated: 2020-03-20. Review status: criteria provided, single submitter. Criteria: ACMG Guidelines, 2015. Collection method: clinical testing. Allele origin: germline.
Comment: This variant is classified as likely benign based on ACMG/AMP sequence variant interpretation guidelines (Richards et al. 2015 PMID: 25741868, with internal and published modifications).